The following is an entry in ClinVar:

NM_000545.8(HNF1A):c.1539C>T (p.Thr513=)

Gene: HNF1A (HNF1 homeobox A; plus strand). Cytogenetic location: 12q24.31.
Variant type: single nucleotide variant.
Coding change: c.1539C>T on transcript NM_000545.8 (MANE Select); coding-DNA position 1539, C replaced by T.
Protein change: p.Thr513=; no amino-acid change (threonine 513 retained).
Molecular consequence: synonymous variant.
Genome position (GRCh38, 1-based): chr12:120,999,305, C>T. VCF-style: chr12-120999305-C-T. GRCh37 (hg19) VCF-style: chr12-121437108-C-T.
Other names: c.1539C>T (NM_000545.6); c.1539C>T, p.Thr513= (NM_001306179.2).
Identifiers: ClinVar variation 36805 (VCV000036805.50), dbSNP rs193922584, ClinGen allele CA214274.

ClinVar aggregate classification (germline): Conflicting classifications of pathogenicity. Review status: criteria provided, conflicting classifications (1 of 4 stars). 11 submissions from 11 submitters: Uncertain significance (1); Benign (5); Likely benign (5). Last evaluated 2026-09-01.

Conditions:
Maturity-onset diabetes of the young type 3. Also called: MODY, type III; MODY type 3. Identifiers: Orphanet 552, MedGen C1838100, MeSH C563933, MONDO:0010894, OMIM 600496. Disease mechanism: loss of function.
Type 1 diabetes mellitus 20 (T1D20). Also called: Diabetes mellitus, insulin-dependent, 20. Identifiers: MedGen C2675866, MONDO:0012919, OMIM 612520.
Type 2 diabetes mellitus. Also called: Type II diabetes mellitus. Identifiers: MedGen C0011860, MeSH D003924, MONDO:0005148, OMIM 125853, HP:0005978.
Diabetes mellitus type 1 (T1D). Also called: Type I diabetes mellitus; Diabetes Mellitus, Juvenile-Onset. Identifiers: MedGen C0011854, MONDO:0005147, OMIM 222100, HP:0100651.
Maturity-onset diabetes of the young (MODY). Also called: Maturity onset diabetes mellitus in young. Identifiers: Orphanet 552, MedGen C0342276, MONDO:0018911, HP:0004904.

Allele frequency attached by ClinVar (database versions not stated): ExAC 0.00052; gnomAD 0.00037 and 0.00036; TOPMed 0.00041; ESP Exome Variant Server 0.00031; gnomAD exomes 0.00052 and 0.00034.
gnomAD v4.1: 582 of 1,614,038 alleles (0.036%); highest among the groups gnomAD compares: Middle Eastern, 0.23%; no homozygotes.

Submissions (11):

CeGaT Center for Human Genetics Tuebingen
Classification: Benign. Last evaluated: 2026-09-01. Review status: criteria provided, single submitter. Criteria: CeGaT Center For Human Genetics Tuebingen Variant Classification Criteria Version 2. Collection method: clinical testing. Allele origin: germline. Affected: yes. Observed: 10 variant alleles.
Comment: HNF1A: BS1, BS2

Labcorp Genetics (formerly Invitae), Labcorp
Classification: Benign. Last evaluated: 2026-01-26. Review status: criteria provided, single submitter. Criteria: Invitae Variant Classification Sherloc (09022015). Collection method: clinical testing. Allele origin: germline.

Women's Health and Genetics/Laboratory Corporation of America, LabCorp
Classification: Benign. Last evaluated: 2024-12-06. Review status: criteria provided, single submitter. Criteria: LabCorp Variant Classification Summary - May 2015. Collection method: clinical testing. Allele origin: germline.

Blueprint Genetics
Classification: Likely benign. Last evaluated: 2024-11-17. Review status: criteria provided, single submitter. Criteria: ACMG Guidelines, 2015. Collection method: clinical testing. Allele origin: germline.

New York Genome Center
Classification: Uncertain significance for Type 1 diabetes mellitus 20; Maturity-onset diabetes of the young type 3; Diabetes mellitus type 1; Type 2 diabetes mellitus. Last evaluated: 2022-09-12. Review status: criteria provided, single submitter. Criteria: NYGC Assertion Criteria 2020. Collection method: clinical testing. Allele origin: germline. Observed: 1 heterozygote.

Athena Diagnostics
Classification: Benign. Last evaluated: 2020-09-29. Review status: criteria provided, single submitter. Criteria: Athena Diagnostics criteria. Collection method: clinical testing. Allele origin: unknown.

GeneDx
Classification: Likely benign. Last evaluated: 2019-07-22. Review status: criteria provided, single submitter. Criteria: GeneDx Variant Classification Process June 2021. Collection method: clinical testing. Allele origin: germline. Affected: yes.
Comment: This variant is associated with the following publications: (PMID: 27659712)

Illumina Laboratory Services, Illumina
Classification: Likely benign for Maturity-onset diabetes of the young type 3. Last evaluated: 2018-01-12. Review status: criteria provided, single submitter. Criteria: ICSL Variant Classification Criteria 13 December 2019. Collection method: clinical testing. Allele origin: germline.
Comment: This variant was observed in the ICSL laboratory as part of a predisposition screen in an ostensibly healthy population. It had not been previously curated by ICSL or reported in the Human Gene Mutation Database (HGMD: prior to June 1st, 2018), and was therefore a candidate for classification through an automated scoring system. Utilizing variant allele frequency, disease prevalence and penetrance estimates, and inheritance mode, an automated score was calculated to assess if this variant is too frequent to cause the disease. Based on the score and internal cut-off values, a variant classified as likely benign is not then subjected to further curation. The score for this variant resulted in a classification of likely benign for this disease.

Ambry Genetics
Classification: Likely benign for Maturity-onset diabetes of the young. Last evaluated: 2016-04-20. Review status: criteria provided, single submitter. Criteria: Ambry Variant Classification Scheme 2023. Collection method: clinical testing. Allele origin: germline.

Genetic Services Laboratory, University of Chicago
Classification: Likely benign. Last evaluated: 2016-02-22. Review status: criteria provided, single submitter. Criteria: ACMG Guidelines, 2015. Collection method: clinical testing. Allele origin: germline. Affected: no.

Clinical Genomics, Uppaluri K&H Personalized Medicine Clinic
Classification: Benign for Maturity-onset diabetes of the young. Review status: criteria provided, single submitter. Criteria: K & H Uppaluri Personalized Medicine Clinic Variant Classification & Assertion Criteria_Updated V.1. Collection method: research. Allele origin: unknown. Inheritance: Autosomal dominant inheritance.
Comment: Mutations in HNF1A gene can predispose to MODY3. It is associated with both micro and macrovascular complications of diabetes, especially cardiovascular complications. Associated with glucosuria. May respond well to sulfonylureas. However, more evidence is required to confer the association of this particular variant rs193922584 with MODY3.

Literature cited by the submitters: PubMed 11692182 (cited by Women's Health and Genetics/Laboratory Corporation of America, LabCorp and Athena Diagnostics); PubMed 31517624 (cited by Clinical Genomics, Uppaluri K&H Personalized Medicine Clinic); PubMed 32395877 (cited by Clinical Genomics, Uppaluri K&H Personalized Medicine Clinic); PubMed 35328643 (cited by Clinical Genomics, Uppaluri K&H Personalized Medicine Clinic).